The following is an entry in ClinVar:

ClinVar aggregate classification (germline): Uncertain significance (1 of 4 stars; one submission).

Conditions:
Ataxia-telangiectasia syndrome (AT). Also called: LOUIS-BAR SYNDROME; Cerebello-oculocutaneous telangiectasia; Immunodeficiency with ataxia telangiectasia; AT, COMPLEMENTATION GROUP C; Ataxia-telangiectasia, complementation group D; ATAXIA-TELANGIECTASIA, COMPLEMENTATION GROUP A. Identifiers: Orphanet 100, MedGen C0004135, MONDO:0008840, OMIM 208900.

Submission:

Labcorp Genetics (formerly Invitae), Labcorp
Classification: Uncertain significance for Ataxia-telangiectasia syndrome. Last evaluated: 2023-06-16. Review status: criteria provided, single submitter. Criteria: Invitae Variant Classification Sherloc (09022015). Collection method: clinical testing. Allele origin: unknown.
Comment: In summary, the available evidence is currently insufficient to determine the role of this variant in disease. Therefore, it has been classified as a Variant of Uncertain Significance. This variant has not been reported in the literature in individuals affected with ATM-related conditions. This variant results in a copy number gain of the genomic region encompassing exon(s) 2-17 of the ATM gene. This region includes the initiator codon of the gene. This copy number gain extends beyond the assayed region for this gene and therefore may encompass additional genes. As the precise location of this event is unknown, it may be in tandem or it may be located elsewhere in the genome.

NC_000011.9:g.(?_108098320)_(108138753_?)dup

Gene: ATM (ATM serine/threonine kinase; plus strand). Cytogenetic location: 11q22.3.
Variant type: Duplication.
Identifiers: ClinVar variation 3244493 (VCV003244493.1).